The following is an entry in ClinVar:

ClinVar aggregate classification (germline): Pathogenic (1 of 4 stars; one submission).

Submission:

Labcorp Genetics (formerly Invitae), Labcorp
Classification: Pathogenic. Last evaluated: 2024-07-30. Review status: criteria provided, single submitter. Criteria: Invitae Variant Classification Sherloc (09022015). Collection method: clinical testing. Allele origin: germline.
Comment: This sequence change replaces cysteine, which is neutral and slightly polar, with phenylalanine, which is neutral and non-polar, at codon 43 of the NOTCH3 protein (p.Cys43Phe). This variant is not present in population databases (gnomAD no frequency). This missense change has been observed in individuals with cerebral arteriopathy with subcortical infarcts and leukoencephalopathy 1 (PMID: 14710716, 32277177; Invitae). Advanced modeling of protein sequence and biophysical properties (such as structural, functional, and spatial information, amino acid conservation, physicochemical variation, residue mobility, and thermodynamic stability) performed at Invitae indicates that this missense variant is expected to disrupt NOTCH3 protein function with a positive predictive value of 95%. This variant disrupts the p.Cys43 amino acid residue in NOTCH3. Other variant(s) that disrupt this residue have been determined to be pathogenic (PMID: 28710804; Invitae). This suggests that this residue is clinically significant, and that variants that disrupt this residue are likely to be disease-causing. For these reasons, this variant has been classified as Pathogenic.

Literature cited by the submitters: PubMed 14710716; PubMed 32277177; PubMed 28710804.

NM_000435.3(NOTCH3):c.128G>T (p.Cys43Phe)

Gene: NOTCH3 (notch receptor 3; minus strand). Cytogenetic location: 19p13.12.
Variant type: single nucleotide variant.
Coding change: c.128G>T on transcript NM_000435.3 (MANE Select); coding-DNA position 128, G replaced by T.
Protein change: p.Cys43Phe; replaces cysteine 43 with phenylalanine.
Molecular consequence: missense variant.
Genome position (GRCh38, 1-based): chr19:15,197,569, C>A on the plus strand (G>T on the coding strand, the complement: NOTCH3 is on the minus strand). VCF-style: chr19-15197569-C-A. GRCh37 (hg19) VCF-style: chr19-15308380-C-A.
Other names: short protein forms C43F.
Identifiers: ClinVar variation 3723477 (VCV003723477.2).